The following is an entry in ClinVar:

NM_031475.3(ESPN):c.536C>A (p.Ala179Glu)

Gene: ESPN (espin; plus strand). Cytogenetic location: 1p36.31.
Variant type: single nucleotide variant.
Coding change: c.536C>A on transcript NM_031475.3 (MANE Select); coding-DNA position 536, C replaced by A.
Protein change: p.Ala179Glu; replaces alanine 179 with glutamic acid.
Molecular consequence: missense variant.
Genome position (GRCh38, 1-based): chr1:6,440,301, C>A. VCF-style: chr1-6440301-C-A. GRCh37 (hg19) VCF-style: chr1-6500361-C-A.
Other names: c.536C>A, p.Ala179Glu (NM_001367473.1, NM_001367474.1); short protein forms A179E.
Identifiers: ClinVar variation 1315459 (VCV001315459.2), dbSNP rs1267778352, ClinGen allele CA338089339.
Genomic context (GRCh38, chr1:6,440,301, plus strand): 5'-TGTGTCTCCGCAGGGGAGTGAATGCCCAAACCAAGAACGGTGCCACGCCCCTGTACCTGG[C>A]GTGCCAGGAGGGCCACCTGGAGGTGACCCAGTACCTGGTGCAGGAATGCGGCGCAGACCC-3'
Protein context (NP_113663.2, residues 169-189): TKNGATPLYL[Ala179Glu]CQEGHLEVTQ

ClinVar aggregate classification (germline): Uncertain significance (1 of 4 stars; one submission).

Allele frequency attached by ClinVar (database versions not stated): TOPMed below 0.00001; gnomAD 0.00001; gnomAD exomes 0.00001.
gnomAD v4.1: 12 of 1,555,590 alleles (0.00077%); highest among the groups gnomAD compares: Non-Finnish European, 0.001%; no homozygotes.

Submission:

GeneDx
Classification: Uncertain significance. Last evaluated: 2020-08-28. Review status: criteria provided, single submitter. Criteria: GeneDx Variant Classification Process June 2021. Collection method: clinical testing. Allele origin: germline. Affected: yes.
Comment: In silico analysis supports that this missense variant has a deleterious effect on protein structure/function; Has not been previously published as pathogenic or benign to our knowledge